The following is an entry in ClinVar:

ClinVar aggregate classification (germline): Benign/Likely benign. Review status: criteria provided, multiple submitters, no conflicts (2 of 4 stars). 7 submissions from 6 submitters: Benign (2); Likely benign (4). 1 of the submissions does not count toward it. Last evaluated 2025-12-20.

Conditions:
Macular degeneration. Also called: Degenerative disorder of macula. Identifiers: MedGen C0024437, MONDO:0003004, HP:0000608.
CFB-related disorder. Also called: CFB-related condition; CFB-related disorders.
Atypical hemolytic-uremic syndrome with B factor anomaly. Also called: HEMOLYTIC UREMIC SYNDROME, ATYPICAL, SUSCEPTIBILITY TO, 4; AHUS, SUSCEPTIBILITY TO, 4. Identifiers: Orphanet 2134, MedGen C2752038, MONDO:0013042, OMIM 612924.
Age related macular degeneration 14. Also called: MACULAR DEGENERATION, AGE-RELATED, 14, REDUCED RISK OF. Identifiers: MedGen C3809653, MONDO:0014207, OMIM 615489.
Complement factor b deficiency. Identifiers: MedGen C3809950, MONDO:0014255, OMIM 615561.

Allele frequency attached by ClinVar (database versions not stated): ESP Exome Variant Server 0.00008; gnomAD 0.00017 and 0.00034; ExAC 0.00044; TOPMed 0.00051; 1000 Genomes Project 30x 0.00187; 1000 Genomes Project 0.00200.
gnomAD v4.1: 574 of 1,614,190 alleles (0.036%); highest among the groups gnomAD compares: East Asian, 1.2%; 2 homozygotes.

Submissions (7):

Labcorp Genetics (formerly Invitae), Labcorp
Classification: Benign. Last evaluated: 2025-12-20. Review status: criteria provided, single submitter. Criteria: Invitae Variant Classification Sherloc (09022015). Collection method: clinical testing. Allele origin: germline.

Mayo Clinic Laboratories, Mayo Clinic
Classification: Likely benign. Last evaluated: 2025-08-10. Review status: criteria provided, single submitter. Criteria: ACMG Guidelines, 2015. Collection method: clinical testing. Allele origin: germline. Observed: 5 variant alleles.
Comment: BP4, BP7

Blueprint Genetics
Classification: Likely benign. Last evaluated: 2024-11-20. Review status: criteria provided, single submitter. Criteria: ACMG Guidelines, 2015. Collection method: clinical testing. Allele origin: germline.

Fulgent Genetics
Classification: Likely benign for Atypical hemolytic-uremic syndrome with B factor anomaly; Age related macular degeneration 14; Complement factor b deficiency. Last evaluated: 2021-10-19. Review status: criteria provided, single submitter. Criteria: ACMG Guidelines, 2015. Collection method: clinical testing. Allele origin: unknown.

Illumina Laboratory Services, Illumina
Classification: Benign for Atypical hemolytic-uremic syndrome with B factor anomaly. Last evaluated: 2018-01-13. Review status: criteria provided, single submitter. Criteria: ICSL Variant Classification Criteria 13 December 2019. Collection method: clinical testing. Allele origin: germline.
Comment: This variant was observed in the ICSL laboratory as part of a predisposition screen in an ostensibly healthy population. It had not been previously curated by ICSL or reported in the Human Gene Mutation Database (HGMD: prior to June 1st, 2018), and was therefore a candidate for classification through an automated scoring system. Utilizing variant allele frequency, disease prevalence and penetrance estimates, and inheritance mode, an automated score was calculated to assess if this variant is too frequent to cause the disease. Based on the score and internal cut-off values, a variant classified as benign is not then subjected to further curation. The score for this variant resulted in a classification of benign for this disease.

Illumina Laboratory Services, Illumina
Classification: Likely benign for Macular degeneration. Last evaluated: 2018-01-13. Review status: criteria provided, single submitter. Criteria: ICSL Variant Classification Criteria 13 December 2019. Collection method: clinical testing. Allele origin: germline.
Comment: This variant was observed in the ICSL laboratory as part of a predisposition screen in an ostensibly healthy population. It had not been previously curated by ICSL or reported in the Human Gene Mutation Database (HGMD: prior to June 1st, 2018), and was therefore a candidate for classification through an automated scoring system. Utilizing variant allele frequency, disease prevalence and penetrance estimates, and inheritance mode, an automated score was calculated to assess if this variant is too frequent to cause the disease. Based on the score and internal cut-off values, a variant classified as likely benign is not then subjected to further curation. The score for this variant resulted in a classification of likely benign for this disease.

PreventionGenetics, part of Exact Sciences
Classification: Likely benign for CFB-related condition. Last evaluated: 2023-12-15. Review status: no assertion criteria provided. Collection method: clinical testing. Allele origin: germline. Not counted in ClinVar's aggregate classification.
Comment: This variant is classified as likely benign based on ACMG/AMP sequence variant interpretation guidelines (Richards et al. 2015 PMID: 25741868, with internal and published modifications).

NM_001710.6(CFB):c.2100C>T (p.Gly700=)

Gene: CFB (complement factor B; plus strand). Cytogenetic location: 6p21.33.
Variant type: single nucleotide variant.
Coding change: c.2100C>T on transcript NM_001710.6 (MANE Select); coding-DNA position 2100, C replaced by T.
Protein change: p.Gly700=; no amino-acid change (glycine 700 retained).
Molecular consequence: synonymous variant.
Genome position (GRCh38, 1-based): chr6:31,951,565, C>T. VCF-style: chr6-31951565-C-T. GRCh37 (hg19) VCF-style: chr6-31919342-C-T.
Other names: p.Gly700=.
Identifiers: ClinVar variation 356295 (VCV000356295.17), dbSNP rs116928087, ClinGen allele CA3728548.
Genomic context (GRCh38, chr6:31,951,565, plus strand): 5'-TGCCCAAGGCCCAACAGTCCTTTTCTCTACAGCTTCTCCTCTCCTTGCAGGTGATTCTGG[C>T]GGCCCCTTGATAGTTCACAAGAGAAGTCGTTTCATTCAAGTGAGTCCTCCCTTTCCTATC-3'
Protein context (NP_001701.2, residues 690-710): ADPNTCRGDS[Gly700=]GPLIVHKRSR